The following is an entry in ClinVar:

ClinVar aggregate classification (germline): Likely pathogenic (1 of 4 stars; one submission).

Conditions:
Ataxia-telangiectasia-like disorder 1 (ATLD1). Identifiers: Orphanet 251347, MedGen C4012790, MONDO:0024557, OMIM 604391.

Submission:

Variantyx, Inc.
Classification: Likely pathogenic for Ataxia-telangiectasia-like disorder 1. Last evaluated: 2025-11-05. Review status: criteria provided, single submitter. Criteria: Variantyx Assertion Criteria 2022. Collection method: clinical testing. Allele origin: germline. Inheritance: Autosomal recessive inheritance. Affected: no.
Comment: This is a frameshift variant in the MRE11 gene (OMIM: 600814). Pathogenic variants in this gene have been associated with autosomal recessive ataxia-telangiectasia-like disorder 1. This variant introduces a premature termination codon in exon 8 out of 20 and is expected to result in loss of function, which is a known disease mechanism for MRE11 in this disorder (PMID: 23912341) (PVS1). This variant is absent from control populations (PM2) and it has not been reported in individuals with MRE11-related disorders in the databases available for review. Based on the current evidence, this variant is classified as likely pathogenic for autosomal recessive ataxia-telangiectasia-like disorder 1.

Literature cited by the submitters: PubMed 23912341.

NM_005591.4(MRE11):c.751del (p.Lys250_Ile251insTer)

Gene: MRE11 (MRE11 double strand break repair nuclease; minus strand). Cytogenetic location: 11q21.
Variant type: Deletion.
Coding change: c.751del on transcript NM_005591.4 (MANE Select); coding-DNA position 751, one base deleted (A; older notation c.751delA).
Protein change: p.Lys250_Ile251insTer.
Molecular consequence: nonsense.
Genome position (GRCh38, 1-based): chr11:94,471,668, T deleted on the plus strand (A on the coding strand, the reverse complement: MRE11 is on the minus strand); the first of 4 consecutive T bases (chr11:94,471,668-94,471,671); deleting any one gives the same sequence. VCF-style (leftmost placement, unchanged base first): chr11-94471667-AT-A. GRCh37 (hg19) VCF-style: chr11-94204833-AT-A.
Other names: c.751del, p.Lys250_Ile251insTer (NM_001440470.1, NM_001440473.1, NM_001440474.1 and 18 more transcripts); c.676del, p.Lys225_Ile226insTer (NM_001440471.1, NM_001440472.1, NM_001440479.1); c.406del, p.Lys135_Ile136insTer (NM_001440482.1, NM_001440483.1, NM_001440484.1); c.283del, p.Lys94_Ile95insTer (NM_001440485.1, NM_001440486.1, NM_001440487.1).
Identifiers: ClinVar variation 4850149 (VCV004850149.1).